The following is an entry in ClinVar:

NM_021076.4(NEFH):c.910G>C (p.Ala304Pro)

Gene: NEFH (neurofilament heavy chain; plus strand). Cytogenetic location: 22q12.2.
Variant type: single nucleotide variant.
Coding change: c.910G>C on transcript NM_021076.4 (MANE Select); coding-DNA position 910, G replaced by C.
Protein change: p.Ala304Pro; replaces alanine 304 with proline.
Molecular consequence: missense variant.
Genome position (GRCh38, 1-based): chr22:29,483,401, G>C. VCF-style: chr22-29483401-G-C. GRCh37 (hg19) VCF-style: chr22-29879390-G-C.
Other names: short protein forms A304P.
Identifiers: ClinVar variation 1765842 (VCV001765842.7), dbSNP rs2063023710, ClinGen allele CA411124809.

ClinVar aggregate classification (germline): Uncertain significance. Review status: criteria provided, multiple submitters, no conflicts (2 of 4 stars). 2 submissions from 2 submitters: Uncertain significance (2). Last evaluated 2022-07-06.

Conditions:
Inborn genetic diseases. Identifiers: MedGen C0950123, MeSH D030342.

Allele frequency attached by ClinVar (database versions not stated): TOPMed below 0.00001.
gnomAD v4.1: 1 of 1,613,844 alleles (0.000062%); highest among the groups gnomAD compares: African/African-American, 0.0013%; no homozygotes.

Submissions (2):

Labcorp Genetics (formerly Invitae), Labcorp
Classification: Uncertain significance. Last evaluated: 2022-07-06. Review status: criteria provided, single submitter. Criteria: Invitae Variant Classification Sherloc (09022015). Collection method: clinical testing. Allele origin: germline.
Comment: This sequence change replaces alanine, which is neutral and non-polar, with proline, which is neutral and non-polar, at codon 304 of the NEFH protein (p.Ala304Pro). This variant is not present in population databases (gnomAD no frequency). This variant has not been reported in the literature in individuals affected with NEFH-related conditions. Algorithms developed to predict the effect of missense changes on protein structure and function are either unavailable or do not agree on the potential impact of this missense change (SIFT: "Deleterious"; PolyPhen-2: "Not Available"; Align-GVGD: "Class C0"). In summary, the available evidence is currently insufficient to determine the role of this variant in disease. Therefore, it has been classified as a Variant of Uncertain Significance.

Ambry Genetics
Classification: Uncertain significance for Inborn genetic diseases. Last evaluated: 2022-04-25. Review status: criteria provided, single submitter. Criteria: Ambry Variant Classification Scheme 2023. Collection method: clinical testing. Allele origin: germline.
Comment: The p.A304P variant (also known as c.910G>C), located in coding exon 2 of the NEFH gene, results from a G to C substitution at nucleotide position 910. The alanine at codon 304 is replaced by proline, an amino acid with highly similar properties. This amino acid position is conserved. In addition, this alteration is predicted to be deleterious by in silico analysis. Since supporting evidence is limited at this time, the clinical significance of this alteration remains unclear.